The following is an entry in ClinVar:

ClinVar aggregate classification (germline): Likely benign (0 of 4 stars; one submission).

Conditions:
RIN2-related disorder. Also called: RIN2-related condition.

Submission:

PreventionGenetics, part of Exact Sciences
Classification: Likely benign for RIN2-related condition. Last evaluated: 2023-02-21. Review status: no assertion criteria provided. Collection method: clinical testing. Allele origin: germline.
Comment: This variant is classified as likely benign based on ACMG/AMP sequence variant interpretation guidelines (Richards et al. 2015 PMID: 25741868, with internal and published modifications).

NM_018993.4(RIN2):c.945T>G (p.Ala315=)

Gene: RIN2 (Ras and Rab interactor 2; plus strand). Cytogenetic location: 20p11.23.
Variant type: single nucleotide variant.
Coding change: c.945T>G on transcript NM_018993.4 (MANE Select); coding-DNA position 945, T replaced by G.
Protein change: p.Ala315=; no amino-acid change (alanine 315 retained).
Molecular consequence: synonymous variant.
Genome position (GRCh38, 1-based): chr20:19,974,970, T>G. VCF-style: chr20-19974970-T-G. GRCh37 (hg19) VCF-style: chr20-19955614-T-G.
Other names: c.1092T>G, p.Ala364= (NM_001242581.2); c.327T>G, p.Ala109= (NM_001378238.1).
Identifiers: ClinVar variation 3045478 (VCV003045478.2), dbSNP rs1475873736, ClinGen allele CA510156896.
Genomic context (GRCh38, chr20:19,974,970, plus strand): 5'-TCCCAACGCGAATGGCACGGAGCGGACTCGGTCCCCCCCACCCAGGCCCCCGCCACCCGC[T>G]ATTAATAGTCTCCACACAAGCCCTCGGCTGGCCAGGACTGAAACCCAGACGAGCATGCCA-3'
Protein context (NP_061866.1, residues 305-325): RSPPPRPPPP[Ala315=]INSLHTSPRL